The following is an entry in ClinVar:

NM_174936.4(PCSK9):c.207+5G>A

Gene: PCSK9 (proprotein convertase subtilisin/kexin type 9; plus strand). Cytogenetic location: 1p32.3.
Variant type: single nucleotide variant.
Coding change: c.207+5G>A on transcript NM_174936.4 (MANE Select); 5 bases into the intron after coding-DNA position 207, G replaced by A.
Molecular consequence: intron variant.
Genome position (GRCh38, 1-based): chr1:55,040,049, G>A. VCF-style: chr1-55040049-G-A. GRCh37 (hg19) VCF-style: chr1-55505722-G-A.
Identifiers: ClinVar variation 440709 (VCV000440709.5), dbSNP rs1272703401, ClinGen allele CA522960421.

ClinVar aggregate classification (germline): Uncertain significance. Review status: criteria provided, multiple submitters, no conflicts (2 of 4 stars). 4 submissions from 4 submitters: Uncertain significance (3). 1 of the submissions does not count toward it. Last evaluated 2025-03-04.

Conditions:
Cardiovascular phenotype. Identifiers: MedGen CN230736.
Hypocholesterolemia. Identifiers: MedGen C0151718, HP:0003146.
Familial hypercholesterolemia. Also called: Familial hypercholesterolaemia; Familial hypercholesterolemias. Identifiers: MedGen C0020445, MONDO:0005439.
Hypercholesterolemia, autosomal dominant, 3 (FHCL3). Also called: Familial hypercholesterolemia 3; Familial Hypercholesterolemia, Autosomal Dominant, 3; PCSK9-Related Familial Hypercholesterolemia, Autosomal Dominant. Identifiers: MedGen C1863551, MONDO:0011369, OMIM 603776.

Allele frequency attached by ClinVar (database versions not stated): gnomAD exomes below 0.00001 and 0.00002; TOPMed 0.00005; gnomAD 0.00007 and 0.00008.
gnomAD v4.1: 13 of 1,557,852 alleles (0.00083%); highest among the groups gnomAD compares: Admixed American, 0.023%; no homozygotes.

Submissions (4):

Ambry Genetics
Classification: Uncertain significance for Cardiovascular phenotype. Last evaluated: 2025-03-04. Review status: criteria provided, single submitter. Criteria: Ambry Variant Classification Scheme 2023. Collection method: clinical testing. Allele origin: germline.
Comment: The c.207+5G>A intronic variant results from a G to A substitution 5 nucleotides after coding exon 1 in the PCSK9 gene. This nucleotide position is highly conserved in available vertebrate species. In silico splice site analysis predicts that this alteration may result in the creation or strengthening of a novel splice donor site. Based on the available evidence, the clinical significance of this variant remains unclear.

Color Diagnostics, LLC DBA Color Health
Classification: Uncertain significance for Familial hypercholesterolemia. Last evaluated: 2025-01-06. Review status: criteria provided, single submitter. Criteria: ACMG Guidelines, 2015. Collection method: clinical testing. Allele origin: germline.
Comment: This variant causes a G to A nucleotide substitution at the +5 position of intron 1 of the PCSK9 gene. To our knowledge, functional studies have not been reported for this variant. This variant has not been reported in individuals affected with PCSK9-related disorders in the literature. This variant has been identified in 3/161294 chromosomes in the general population by the Genome Aggregation Database (gnomAD). The available evidence is insufficient to determine the role of this variant in disease conclusively. Therefore, this variant is classified as a Variant of Uncertain Significance.

All of Us Research Program, National Institutes of Health
Classification: Uncertain significance for Hypercholesterolemia, autosomal dominant, 3. Last evaluated: 2024-09-12. Review status: criteria provided, single submitter. Criteria: ACMG Guidelines, 2015. Collection method: clinical testing. Allele origin: germline. Inheritance: Autosomal dominant inheritance. Observed: 2 variant alleles, 2 heterozygotes.
Comment: This variant causes a G to A nucleotide substitution at the +5 position of intron 1 of the PCSK9 gene. To our knowledge, functional studies have not been reported for this variant. This variant has not been reported in individuals affected with familial hypercholesterolemia in the literature. This variant has been identified in 3/161294 chromosomes in the general population by the Genome Aggregation Database (gnomAD). The available evidence is insufficient to determine the role of this variant in disease conclusively. Therefore, this variant is classified as a Variant of Uncertain Significance.

This study involves interpretation of variants in research participants for the purpose of population health screening. Participant phenotype was not available at the time of variant classification. Additional details can be found in publication PMID: 35346344, PMCID: PMC8962531

Laboratorium voor Moleculaire Diagnostiek Experimentele Vasculaire Geneeskunde, Academisch Medisch Centrum
Classification: Pathogenic for Hypocholesterolemia. Review status: no assertion criteria provided. Collection method: research. Allele origin: germline. Not counted in ClinVar's aggregate classification.